The following is an entry in ClinVar:

NM_000069.3(CACNA1S):c.540T>C (p.Pro180=)

Gene: CACNA1S (calcium voltage-gated channel subunit alpha1 S; minus strand). Cytogenetic location: 1q32.1.
Variant type: single nucleotide variant.
Coding change: c.540T>C on transcript NM_000069.3 (MANE Select); coding-DNA position 540, T replaced by C.
Protein change: p.Pro180=; no amino-acid change (proline 180 retained).
Molecular consequence: synonymous variant.
Genome position (GRCh38, 1-based): chr1:201,091,973, A>G on the plus strand (T>C on the coding strand, the complement: CACNA1S is on the minus strand). VCF-style: chr1-201091973-A-G. GRCh37 (hg19) VCF-style: chr1-201061101-A-G.
Identifiers: ClinVar variation 507513 (VCV000507513.18), dbSNP rs138245131, ClinGen allele CA083849.

ClinVar aggregate classification (germline): Conflicting classifications of pathogenicity. Review status: criteria provided, conflicting classifications (1 of 4 stars). 6 submissions from 6 submitters: Uncertain significance (1); Likely benign (4). 1 of the submissions does not count toward it. Last evaluated 2026-03-01.

Conditions:
Hypokalemic periodic paralysis, type 1. Also called: HypoPP; Hypokalemic Periodic Paralysis Type 1 (AD). Identifiers: Orphanet 681, MedGen C3714580, MONDO:0042979, OMIM 170400.
Malignant hyperthermia, susceptibility to, 5 (MHS5). Also called: CACNA1S-Related Malignant Hyperthermia Susceptibility. Identifiers: Orphanet 423, MedGen C1866077, MONDO:0011163, OMIM 601887.
CACNA1S-related disorder. Also called: CACNA1S-related condition.

Allele frequency attached by ClinVar (database versions not stated): gnomAD exomes 0.00008; ExAC 0.00010; gnomAD 0.00032 and 0.00034; TOPMed 0.00037; ESP Exome Variant Server 0.00054; 1000 Genomes Project 0.00060; 1000 Genomes Project 30x 0.00062.
gnomAD v4.1: 110 of 1,614,068 alleles (0.0068%); highest among the groups gnomAD compares: African/African-American, 0.12%; no homozygotes.

Submissions (6):

CeGaT Center for Human Genetics Tuebingen
Classification: Likely benign. Last evaluated: 2026-03-01. Review status: criteria provided, single submitter. Criteria: CeGaT Center For Human Genetics Tuebingen Variant Classification Criteria Version 2. Collection method: clinical testing. Allele origin: germline. Affected: yes. Observed: 1 variant allele.
Comment: CACNA1S: BP4, BP7

Labcorp Genetics (formerly Invitae), Labcorp
Classification: Uncertain significance for Hypokalemic periodic paralysis, type 1; Malignant hyperthermia, susceptibility to, 5. Last evaluated: 2025-01-27. Review status: criteria provided, single submitter. Criteria: Invitae Variant Classification Sherloc (09022015). Collection method: clinical testing. Allele origin: germline.
Comment: This sequence change affects codon 180 of the CACNA1S mRNA. It is a 'silent' change, meaning that it does not change the encoded amino acid sequence of the CACNA1S protein. It affects a nucleotide within the consensus splice site. This variant is present in population databases (rs138245131, gnomAD 0.1%). This variant has not been reported in the literature in individuals affected with CACNA1S-related conditions. ClinVar contains an entry for this variant (Variation ID: 507513). Algorithms developed to predict the effect of sequence changes on RNA splicing suggest that this variant is not likely to affect RNA splicing. In summary, the available evidence is currently insufficient to determine the role of this variant in disease. Therefore, it has been classified as a Variant of Uncertain Significance.

Color Diagnostics, LLC DBA Color Health
Classification: Likely benign for Malignant hyperthermia, susceptibility to, 5. Last evaluated: 2023-05-15. Review status: criteria provided, single submitter. Criteria: ACMG Guidelines, 2015. Collection method: clinical testing. Allele origin: germline.

Blueprint Genetics
Classification: Likely benign. Last evaluated: 2021-09-08. Review status: criteria provided, single submitter. Criteria: ACMG Guidelines, 2015. Collection method: clinical testing. Allele origin: germline.

GeneDx
Classification: Likely benign. Last evaluated: 2017-02-28. Review status: criteria provided, single submitter. Criteria: GeneDx Variant Classification (06012015). Collection method: clinical testing. Allele origin: germline. Affected: yes.
Comment: This variant is considered likely benign or benign based on one or more of the following criteria: it is a conservative change, it occurs at a poorly conserved position in the protein, it is predicted to be benign by multiple in silico algorithms, and/or has population frequency not consistent with disease.

PreventionGenetics, part of Exact Sciences
Classification: Likely benign for CACNA1S-related condition. Last evaluated: 2021-12-20. Review status: no assertion criteria provided. Collection method: clinical testing. Allele origin: germline. Not counted in ClinVar's aggregate classification.
Comment: This variant is classified as likely benign based on ACMG/AMP sequence variant interpretation guidelines (Richards et al. 2015 PMID: 25741868, with internal and published modifications).